The following is an entry in ClinVar:

ClinVar aggregate classification (germline): Uncertain significance (1 of 4 stars; one submission).

gnomAD v4.1: 1 of 1,577,746 alleles (0.000063%); highest among the groups gnomAD compares: Admixed American, 0.0019%; no homozygotes.

Submission:

Labcorp Genetics (formerly Invitae), Labcorp
Classification: Uncertain significance. Last evaluated: 2021-10-06. Review status: criteria provided, single submitter. Criteria: Invitae Variant Classification Sherloc (09022015). Collection method: clinical testing. Allele origin: germline.
Comment: This sequence change affects codon 17 of the TUFM mRNA. It is a 'silent' change, meaning that it does not change the encoded amino acid sequence of the TUFM protein. It affects a nucleotide within the consensus splice site of the intron. This variant is not present in population databases (ExAC no frequency). This variant has not been reported in the literature in individuals affected with TUFM-related conditions. Algorithms developed to predict the effect of sequence changes on RNA splicing suggest that this variant is not likely to affect RNA splicing. In summary, the available evidence is currently insufficient to determine the role of this variant in disease. Therefore, it has been classified as a Variant of Uncertain Significance.

NM_003321.5(TUFM):c.51C>T (p.Ser17=)

Genes: TUFM (Tu translation elongation factor, mitochondrial; minus strand), LOC130058735 (ATAC-STARR-seq lymphoblastoid active region 10645; plus strand). Cytogenetic location: 16p11.2.
Variant type: single nucleotide variant.
Coding change: c.51C>T on transcript NM_003321.5 (MANE Select); coding-DNA position 51, C replaced by T.
Protein change: p.Ser17=; no amino-acid change (serine 17 retained).
Molecular consequence: synonymous variant.
Genome position (GRCh38, 1-based): chr16:28,846,219, G>A on the plus strand (C>T on the coding strand, the complement: TUFM is on the minus strand). VCF-style: chr16-28846219-G-A. GRCh37 (hg19) VCF-style: chr16-28857540-G-A.
Other names: c.51C>T, p.Ser17= (NM_001365360.2).
Identifiers: ClinVar variation 1473537 (VCV001473537.3), dbSNP rs1280066234, ClinGen allele CA494872587.
Genomic context (GRCh38, chr16:28,846,219, plus strand): 5'-GCCACCTACCACTCCCCCAAAGTGTTCCTGGGCCGCCATCGCCCTCCCTGACCACTCACC[G>A]CTGAAGTGGGGCGTCGCGCGCAGCAGGGTGGCGGCCGCCATTGTGGTCATACTCGCGCCC-3'
Protein context (NP_003312.3, residues 7-27): ATLLRATPHF[Ser17=]GLAAGRTFLL